The following is an entry in ClinVar:

ClinVar aggregate classification (germline): Pathogenic (1 of 4 stars; one submission).

Conditions:
Duchenne muscular dystrophy (DMD). Also called: Duchenne Muscular Dystrophy (DMD); MUSCULAR DYSTROPHY, PSEUDOHYPERTROPHIC PROGRESSIVE, DUCHENNE TYPE. Identifiers: Orphanet 98896, MedGen C0013264, MONDO:0010679, OMIM 310200.

Submission:

Labcorp Genetics (formerly Invitae), Labcorp
Classification: Pathogenic for Duchenne muscular dystrophy. Last evaluated: 2022-02-05. Review status: criteria provided, single submitter. Criteria: Invitae Variant Classification Sherloc (09022015). Collection method: clinical testing. Allele origin: germline.
Comment: This variant is a gross deletion of the genomic region encompassing exon(s) 65-67 of the DMD gene. This deletion is out-of-frame, and is expected to create a premature termination codon and result in an absent or disrupted protein product. Loss-of-function variants in DMD are known to be pathogenic (PMID: 16770791, 25007885). A similar copy number variant has been observed in individual(s) with clinical features of DMD-related conditions (PMID: 16030524). For these reasons, this variant has been classified as Pathogenic.

Literature cited by the submitters: PubMed 16770791; PubMed 25007885; PubMed 16030524.

NC_000023.10:g.(?_31222058)_(31227836_?)del

Gene: DMD (dystrophin; minus strand). Cytogenetic location: Xp21.2.
Variant type: Deletion.
Identifiers: ClinVar variation 1459587 (VCV001459587.7).